The following is an entry in ClinVar:

ClinVar aggregate classification (germline): Likely benign (1 of 4 stars; one submission).

gnomAD v4.1: 14 of 1,614,182 alleles (0.00087%); highest among the groups gnomAD compares: Non-Finnish European, 0.0012%; no homozygotes.

Submission:

CeGaT Center for Human Genetics Tuebingen
Classification: Likely benign. Last evaluated: 2026-01-01. Review status: criteria provided, single submitter. Criteria: CeGaT Center For Human Genetics Tuebingen Variant Classification Criteria Version 2. Collection method: clinical testing. Allele origin: germline. Affected: yes. Observed: 1 variant allele.
Comment: GRXCR2: BP4, BP7

NM_001080516.2(GRXCR2):c.480A>G (p.Lys160=)

Gene: GRXCR2 (glutaredoxin and cysteine rich domain containing 2; minus strand). Cytogenetic location: 5q32.
Variant type: single nucleotide variant.
Coding change: c.480A>G on transcript NM_001080516.2 (MANE Select); coding-DNA position 480, A replaced by G.
Protein change: p.Lys160=; no amino-acid change (lysine 160 retained).
Molecular consequence: synonymous variant.
Genome position (GRCh38, 1-based): chr5:145,866,585, T>C on the plus strand (A>G on the coding strand, the complement: GRXCR2 is on the minus strand). VCF-style: chr5-145866585-T-C. GRCh37 (hg19) VCF-style: chr5-145246148-T-C.
Identifiers: ClinVar variation 4822958 (VCV004822958.4).
Genomic context (GRCh38, chr5:145,866,585, plus strand): 5'-TGTGCTTTCTGCCTCCACCAAAGGTCTATCGTGCTGGTCCCTGCCTCCATAGCTTTCTTC[T>C]TTGTTCATCAGAGACTCTTCCTCAGCCTCCTCTTCCTTCTGGAGAATTTTCCTCACAAAA-3'
Protein context (NP_001073985.1, residues 150-170): EEAEEESLMN[Lys160=]EESYGGRDQH